The following is an entry in ClinVar:

NM_004360.5(CDH1):c.2406C>G (p.Ala802=)

Gene: CDH1 (cadherin 1; plus strand). Cytogenetic location: 16q22.1.
Variant type: single nucleotide variant.
Coding change: c.2406C>G on transcript NM_004360.5 (MANE Select); coding-DNA position 2406, C replaced by G.
Protein change: p.Ala802=; no amino-acid change (alanine 802 retained).
Molecular consequence: synonymous variant.
Genome position (GRCh38, 1-based): chr16:68,829,764, C>G. VCF-style: chr16-68829764-C-G. GRCh37 (hg19) VCF-style: chr16-68863667-C-G.
Other names: c.858C>G, p.Ala286= (NM_001317185.2); c.441C>G, p.Ala147= (NM_001317186.2); c.2223C>G, p.Ala741= (NM_001317184.2).
Identifiers: ClinVar variation 3378932 (VCV003378932.1).

ClinVar aggregate classification (germline): Benign (1 of 4 stars; one submission).

Conditions:
Hereditary diffuse gastric adenocarcinoma (HDGC). Also called: DIFFUSE GASTRIC AND LOBULAR BREAST CANCER SYNDROME. Identifiers: Orphanet 26106, MedGen C1708349, MONDO:0007648, OMIM 137215.

Submission:

Myriad Genetics, Inc.
Classification: Benign for Hereditary diffuse gastric adenocarcinoma. Last evaluated: 2024-09-23. Review status: criteria provided, single submitter. Criteria: Myriad Autosomal Dominant, Autosomal Recessive and X-Linked Classification Criteria (2023). Collection method: clinical testing. Allele origin: unknown.
Comment: This variant is considered benign. This variant is a silent/synonymous amino acid change and it is not expected to impact splicing.